The following is an entry in ClinVar:

NM_003072.5(SMARCA4):c.7A>C (p.Thr3Pro)

Gene: SMARCA4 (SWI/SNF related BAF chromatin remodeling complex subunit ATPase 4; plus strand). Cytogenetic location: 19p13.2.
Variant type: single nucleotide variant.
Coding change: c.7A>C on transcript NM_003072.5 (MANE Select); coding-DNA position 7, A replaced by C.
Protein change: p.Thr3Pro; replaces threonine 3 with proline.
Molecular consequence: missense variant. On other transcripts: non-coding transcript variant (1).
Genome position (GRCh38, 1-based): chr19:10,984,158, A>C. VCF-style: chr19-10984158-A-C. GRCh37 (hg19) VCF-style: chr19-11094834-A-C.
Other names: c.7A>C, p.Thr3Pro (NM_001128844.3, NM_001128845.2, NM_001128846.2 and 5 more transcripts); short protein forms T3P.
Identifiers: ClinVar variation 661210 (VCV000661210.19), dbSNP rs1599927930, ClinGen allele CA404053847.

ClinVar aggregate classification (germline): Uncertain significance. Review status: criteria provided, multiple submitters, no conflicts (2 of 4 stars). 4 submissions from 4 submitters: Uncertain significance (4). Last evaluated 2024-07-15.

Conditions:
Rhabdoid tumor predisposition syndrome 2 (RTPS2). Identifiers: Orphanet 231108, Orphanet 69077, MedGen C2750074, MONDO:0013224, OMIM 613325.
Hereditary cancer-predisposing syndrome. Also called: Neoplastic Syndromes, Hereditary; Tumor predisposition; Hereditary neoplastic syndrome; Hereditary Cancer Syndrome. Identifiers: Orphanet 140162, MedGen C0027672, MeSH D009386, MONDO:0015356.
Intellectual disability, autosomal dominant 16 (CSS4). Also called: COFFIN-SIRIS SYNDROME 4. Identifiers: Orphanet 1465, MedGen C3553249, MONDO:0013821, OMIM 614609.

Allele frequency attached by ClinVar (database versions not stated): TOPMed below 0.00001.

Submissions (4):

Labcorp Genetics (formerly Invitae), Labcorp
Classification: Uncertain significance for Rhabdoid tumor predisposition syndrome 2. Last evaluated: 2024-07-15. Review status: criteria provided, single submitter. Criteria: Invitae Variant Classification Sherloc (09022015). Collection method: clinical testing. Allele origin: germline.
Comment: This sequence change replaces threonine, which is neutral and polar, with proline, which is neutral and non-polar, at codon 3 of the SMARCA4 protein (p.Thr3Pro). This variant is not present in population databases (gnomAD no frequency). This variant has not been reported in the literature in individuals affected with SMARCA4-related conditions. ClinVar contains an entry for this variant (Variation ID: 661210). Advanced modeling of protein sequence and biophysical properties (such as structural, functional, and spatial information, amino acid conservation, physicochemical variation, residue mobility, and thermodynamic stability) performed at Invitae indicates that this missense variant is not expected to disrupt SMARCA4 protein function with a negative predictive value of 95%. In summary, the available evidence is currently insufficient to determine the role of this variant in disease. Therefore, it has been classified as a Variant of Uncertain Significance.

Ambry Genetics
Classification: Uncertain significance for Hereditary cancer-predisposing syndrome. Last evaluated: 2024-03-18. Review status: criteria provided, single submitter. Criteria: Ambry Variant Classification Scheme 2023. Collection method: clinical testing. Allele origin: germline.
Comment: The p.T3P variant (also known as c.7A>C), located in coding exon 1 of the SMARCA4 gene, results from an A to C substitution at nucleotide position 7. The threonine at codon 3 is replaced by proline, an amino acid with highly similar properties. This amino acid position is well conserved in available vertebrate species. In addition, the in silico prediction for this alteration is inconclusive. This variant has been detected in multiple individuals with no reported features of Coffin Siris syndrome (Ambry internal data). Based on the supporting evidence, the association of this alteration with rhabdoid tumor predisposition syndrome is unknown; however, the association of this alteration with Coffin-Siris syndrome is unlikely.

Baylor Genetics
Classification: Uncertain significance for Rhabdoid tumor predisposition syndrome 2. Last evaluated: 2023-12-06. Review status: criteria provided, single submitter. Criteria: ACMG Guidelines, 2015. Collection method: clinical testing. Allele origin: unknown.

Genome-Nilou Lab
Classification: Uncertain significance for Intellectual disability, autosomal dominant 16. Last evaluated: 2021-07-15. Review status: criteria provided, single submitter. Criteria: ACMG Guidelines, 2015. Collection method: clinical testing. Allele origin: germline. Affected: no.